The following is an entry in ClinVar:

NM_000548.5(TSC2):c.1443+1G>A

Gene: TSC2 (TSC complex subunit 2; plus strand). Cytogenetic location: 16p13.3.
Variant type: single nucleotide variant.
Coding change: c.1443+1G>A on transcript NM_000548.5 (MANE Select); the canonical splice donor site of the intron after coding-DNA position 1443, G replaced by A.
Molecular consequence: splice donor variant. On other transcripts: intron variant (1).
Genome position (GRCh38, 1-based): chr16:2,063,054, G>A. VCF-style: chr16-2063054-G-A. GRCh37 (hg19) VCF-style: chr16-2113055-G-A.
Other names: c.99+1G>A (NM_001406693.1, NM_001406689.1, NM_001406690.1 and 6 more transcripts); c.1533+1G>A (NM_001406667.1, NM_001406668.1); c.843+1G>A (NM_001406680.1, NM_001406683.1, NM_001406687.1 and 6 more transcripts); c.-160+454G>A (NM_001406698.1); c.1443+1G>A (NM_001114382.3, NM_001406663.1, NM_001406664.1 and 6 more transcripts); c.1431+1G>A (NM_001406671.1, NM_001406673.1); c.981+1G>A (NM_001406681.1); c.1332+1G>A (NM_001406670.1, NM_001318827.2, NM_001406678.1); and 3 more.
Identifiers: ClinVar variation 2121635 (VCV002121635.6), dbSNP rs397515257, ClinGen allele CA394324178.

ClinVar aggregate classification (germline): Pathogenic/Likely pathogenic. Review status: criteria provided, multiple submitters, no conflicts (2 of 4 stars). 3 submissions from 3 submitters: Pathogenic (2); Likely pathogenic (1). Last evaluated 2025-02-06.

Conditions:
Tuberous sclerosis 2 (TSC2). Identifiers: Orphanet 805, MedGen C1860707, MONDO:0013199, OMIM 613254.
TSC2-related disorder. Also called: TSC2-Related Disorders; TSC2-related condition.

Submissions (3):

GeneDx
Classification: Pathogenic. Last evaluated: 2025-02-06. Review status: criteria provided, single submitter. Criteria: GeneDx Variant Classification Process June 2021. Collection method: clinical testing. Allele origin: germline. Affected: yes.
Comment: Canonical splice site variant predicted to result in a null allele in a gene for which loss of function is a known mechanism of disease; Not observed at significant frequency in large population cohorts (gnomAD); This variant is associated with the following publications: (PMID: 35253369, 32917966)

Labcorp Genetics (formerly Invitae), Labcorp
Classification: Pathogenic for Tuberous sclerosis 2. Last evaluated: 2022-04-04. Review status: criteria provided, single submitter. Criteria: Invitae Variant Classification Sherloc (09022015). Collection method: clinical testing. Allele origin: germline.
Comment: This sequence change affects a donor splice site in intron 14 of the TSC2 gene. It is expected to disrupt RNA splicing. Variants that disrupt the donor or acceptor splice site typically lead to a loss of protein function (PMID: 16199547), and loss-of-function variants in TSC2 are known to be pathogenic (PMID: 10205261, 17304050). This variant is not present in population databases (gnomAD no frequency). For these reasons, this variant has been classified as Pathogenic. Algorithms developed to predict the effect of sequence changes on RNA splicing suggest that this variant may disrupt the consensus splice site. Disruption of this splice site has been observed in individuals with tuberous sclerosis complex (Invitae).

Blueprint Genetics
Classification: Likely pathogenic for TSC2-related disorders. Last evaluated: 2022-03-07. Review status: criteria provided, single submitter. Criteria: ACMG Guidelines, 2015. Collection method: clinical testing. Allele origin: germline. Affected: yes. Observed: 1 variant allele.

Literature cited by the submitters: PubMed 16199547 (cited by Labcorp Genetics (formerly Invitae), Labcorp); PubMed 10205261 (cited by Labcorp Genetics (formerly Invitae), Labcorp); PubMed 17304050 (cited by Labcorp Genetics (formerly Invitae), Labcorp).